The following is an entry in ClinVar:

NM_001032386.2(SUOX):c.1521_1524del (p.Cys508fs)

Gene: SUOX (sulfite oxidase; plus strand). Cytogenetic location: 12q13.2.
Variant type: Microsatellite.
Coding change: c.1521_1524del on transcript NM_001032386.2 (MANE Select); coding-DNA positions 1521 to 1524, 4 bases deleted (TTGT; older notation c.1521_1524delTTGT).
Protein change: p.Cys508fs; shifts the reading frame from cysteine 508.
Molecular consequence: frameshift variant.
Genome position (GRCh38, 1-based): chr12:56,004,910-56,004,913, TTGT deleted; deleting any 4 consecutive bases within chr12:56,004,906-56,004,913 gives the same sequence; the c. name uses the placement nearest the transcript's 3' end. VCF-style (leftmost placement, unchanged base first): chr12-56004905-ATTGT-A. GRCh37 (hg19) VCF-style: chr12-56398689-ATTGT-A.
Other names: c.1521_1524del, p.Cys508fs (NM_001032387.2, NM_000456.3); short protein forms C508fs.
Identifiers: ClinVar variation 988664 (VCV000988664.7), dbSNP rs1890688726, ClinGen allele CA2038198081.

ClinVar aggregate classification (germline): Pathogenic. Review status: criteria provided, single submitter (1 of 4 stars). 3 submissions from 3 submitters: Pathogenic (1). 2 of the submissions do not count toward it. Last evaluated 2024-01-24.

Conditions:
SUOX-related disorder. Also called: SUOX-related condition.
Sulfite oxidase deficiency. Also called: Isolated sulfite oxidase deficiency. Identifiers: Orphanet 833, Orphanet 99731, MedGen C0268624, MONDO:0010089, OMIM 272300, HP:0003643.

Submissions (3):

Labcorp Genetics (formerly Invitae), Labcorp
Classification: Pathogenic for Sulfite oxidase deficiency. Last evaluated: 2024-01-24. Review status: criteria provided, single submitter. Criteria: Invitae Variant Classification Sherloc (09022015). Collection method: clinical testing. Allele origin: germline.
Comment: This sequence change results in a frameshift in the SUOX gene (p.Cys508Argfs*109). While this is not anticipated to result in nonsense mediated decay, it is expected to disrupt the last 38 amino acid(s) of the SUOX protein and extend the protein by 70 additional amino acid residues. This variant is not present in population databases (gnomAD no frequency). This frameshift has been observed in individual(s) with clinical features of sulfite oxidase deficiency (PMID: 33335014, 34145886). This variant is also known as 1347–1350delTTGT. ClinVar contains an entry for this variant (Variation ID: 988664). This variant disrupts a region of the SUOX protein in which other variant(s) (p.Arg529*) have been determined to be pathogenic (PMID: 17940249, 28980090). This suggests that this is a clinically significant region of the protein, and that variants that disrupt it are likely to be disease-causing. For these reasons, this variant has been classified as Pathogenic.

PreventionGenetics, part of Exact Sciences
Classification: Likely pathogenic for SUOX-related condition. Last evaluated: 2024-09-09. Review status: no assertion criteria provided. Collection method: clinical testing. Allele origin: germline. Not counted in ClinVar's aggregate classification.
Comment: The SUOX c.1521_1524delTTGT variant is predicted to result in a frameshift and premature protein termination (p.Cys508Argfs*109). This variant has been reported in the homozygous and compound heterozygous states in patients with SUOX-related disorders (Mhanni et al. 2020. PubMed ID: 33335014, alternate nomenclature: (as c.1347_1350del); Johnson. 2002. PubMed ID: 12112661; Zou. 2021. PubMed ID: 34145886). This variant has not been reported in a large population database, indicating it is rare. Frameshift variants in SUOX are expected to be pathogenic; however this variant is located in the terminal exon, with only one other early termination change reported downstream in the literature. This variant is interpreted as likely pathogenic.

Genomics Services, Diagnostic Services, Shared Health Manitoba
Classification: Pathogenic for Sulfite oxidase deficiency. Last evaluated: 2020-11-24. Review status: no assertion criteria provided. Collection method: clinical testing. Allele origin: germline. Affected: yes. Not counted in ClinVar's aggregate classification.
Comment: Frameshift and loss of function is known mechanism of disease; Absent from controls; Observed in â‰¥ 2 affected unrelated patients from a single Indigenous population located in Manitoba. Phenotype is highly specific.

Literature cited by the submitters: PubMed 33335014 (cited by Labcorp Genetics (formerly Invitae), Labcorp); PubMed 34145886 (cited by Labcorp Genetics (formerly Invitae), Labcorp); PubMed 17940249 (cited by Labcorp Genetics (formerly Invitae), Labcorp); PubMed 28980090 (cited by Labcorp Genetics (formerly Invitae), Labcorp).